The following is an entry in ClinVar:

NM_001040108.2(MLH3):c.1380C>G (p.Asn460Lys)

Gene: MLH3 (mutL homolog 3; minus strand). Cytogenetic location: 14q24.3.
Variant type: single nucleotide variant.
Coding change: c.1380C>G on transcript NM_001040108.2 (MANE Select); coding-DNA position 1380, C replaced by G.
Protein change: p.Asn460Lys; replaces asparagine 460 with lysine.
Molecular consequence: missense variant.
Genome position (GRCh38, 1-based): chr14:75,048,276, G>C on the plus strand (C>G on the coding strand, the complement: MLH3 is on the minus strand). VCF-style: chr14-75048276-G-C. GRCh37 (hg19) VCF-style: chr14-75514979-G-C.
Other names: c.1380C>G, p.Asn460Lys (NM_014381.3); short protein forms N460K.
Identifiers: ClinVar variation 1771275 (VCV001771275.5), dbSNP rs913307900, ClinGen allele CA263653143.

ClinVar aggregate classification (germline): Uncertain significance. Review status: criteria provided, multiple submitters, no conflicts (2 of 4 stars). 2 submissions from 2 submitters: Uncertain significance (2). Last evaluated 2025-06-14.

Conditions:
Colorectal cancer, hereditary nonpolyposis, type 7. Identifiers: Orphanet 144, MedGen C1858380, MONDO:0013725, OMIM 614385.
Colorectal cancer. Also called: Colorectal cancer, somatic; Malignant Colorectal Neoplasm. Identifiers: MedGen C0346629, MONDO:0005575, OMIM 114500.
Endometrial carcinoma. Also called: Endometrial carcinoma, somatic. Identifiers: MedGen C0476089, MONDO:0002447, OMIM 608089, HP:0012114.

Allele frequency attached by ClinVar (database versions not stated): gnomAD exomes below 0.00001; TOPMed 0.00001.
gnomAD v4.1: 5 of 1,613,952 alleles (0.00031%); highest among the groups gnomAD compares: African/African-American, 0.0053%; no homozygotes.

Submissions (2):

Ambry Genetics
Classification: Uncertain significance. Last evaluated: 2025-06-14. Review status: criteria provided, single submitter. Criteria: Ambry Variant Classification Scheme 2023. Collection method: clinical testing. Allele origin: germline.
Comment: The p.N460K variant (also known as c.1380C>G), located in coding exon 1 of the MLH3 gene, results from a C to G substitution at nucleotide position 1380. The asparagine at codon 460 is replaced by lysine, an amino acid with similar properties. This amino acid position is not well conserved in available vertebrate species, and lysine is the reference amino acid in other vertebrate species. In addition, this alteration is predicted to be tolerated by in silico analysis. Since supporting evidence is limited at this time, the clinical significance of this alteration remains unclear.

Fulgent Genetics
Classification: Uncertain significance for Colorectal cancer; Endometrial carcinoma; Colorectal cancer, hereditary nonpolyposis, type 7. Last evaluated: 2024-03-07. Review status: criteria provided, single submitter. Criteria: ACMG Guidelines, 2015. Collection method: clinical testing. Allele origin: germline.